The following is an entry in ClinVar:

ClinVar aggregate classification (germline): Uncertain significance. Review status: criteria provided, multiple submitters, no conflicts (2 of 4 stars). 2 submissions from 2 submitters: Uncertain significance (2). Last evaluated 2022-08-16.

Submissions (2):

Labcorp Genetics (formerly Invitae), Labcorp
Classification: Uncertain significance. Last evaluated: 2022-08-16. Review status: criteria provided, single submitter. Criteria: Invitae Variant Classification Sherloc (09022015). Collection method: clinical testing. Allele origin: germline.
Comment: This variant has not been reported in the literature in individuals affected with GNAS-related conditions. ClinVar contains an entry for this variant (Variation ID: 1315774). Algorithms developed to predict the effect of missense changes on protein structure and function are either unavailable or do not agree on the potential impact of this missense change (SIFT: "Deleterious"; PolyPhen-2: "Probably Damaging"; Align-GVGD: "Class C0"). This sequence change replaces asparagine, which is neutral and polar, with threonine, which is neutral and polar, at codon 377 of the GNAS protein (p.Asn377Thr). This variant is not present in population databases (gnomAD no frequency). In summary, the available evidence is currently insufficient to determine the role of this variant in disease. Therefore, it has been classified as a Variant of Uncertain Significance.

GeneDx
Classification: Uncertain significance. Last evaluated: 2021-04-20. Review status: criteria provided, single submitter. Criteria: GeneDx Variant Classification Process June 2021. Collection method: clinical testing. Allele origin: germline. Affected: yes.
Comment: Not observed in large population cohorts (Lek et al., 2016); In silico analysis supports that this missense variant has a deleterious effect on protein structure/function; Has not been previously published as pathogenic or benign to our knowledge

NM_000516.7(GNAS):c.1130A>C (p.Asn377Thr)

Gene: GNAS (GNAS complex locus; plus strand). Cytogenetic location: 20q13.32.
Variant type: single nucleotide variant.
Coding change: c.1130A>C on transcript NM_000516.7 (MANE Select); coding-DNA position 1130, A replaced by C.
Protein change: p.Asn377Thr; replaces asparagine 377 with threonine.
Molecular consequence: missense variant. On other transcripts: 3 prime UTR variant (2).
Genome position (GRCh38, 1-based): chr20:58,910,774, A>C. VCF-style: chr20-58910774-A-C. GRCh37 (hg19) VCF-style: chr20-57485829-A-C.
Other names: c.1133A>C, p.Asn378Thr (NM_001077488.5); c.1085A>C, p.Asn362Thr (NM_001077489.4); c.*991A>C (NM_001077490.3); c.953A>C, p.Asn318Thr (NM_001309840.2, NM_001309861.2); c.*1036A>C (NM_016592.5); c.3059A>C, p.Asn1020Thr (NM_080425.4); c.1088A>C, p.Asn363Thr (NM_080426.4); short protein forms N1020T, N318T, N362T, N363T, N377T, N378T.
Identifiers: ClinVar variation 1315774 (VCV001315774.5), dbSNP rs764065202, ClinGen allele CA409453887.